The following is an entry in ClinVar:

ClinVar aggregate classification (germline): Pathogenic (1 of 4 stars; one submission).

Conditions:
Joubert syndrome. Also called: CEREBELLOPARENCHYMAL DISORDER IV; JOUBERT-BOLTSHAUSER SYNDROME; Familial aplasia of the vermis. Identifiers: Orphanet 475, MedGen C5979921, MONDO:0018772.
Meckel-Gruber syndrome. Also called: DYSENCEPHALIA SPLANCHNOCYSTICA; GRUBER SYNDROME; Dysencephalia splachnocystica. Identifiers: Orphanet 564, MedGen C0265215, MONDO:0018921.

Submission:

Labcorp Genetics (formerly Invitae), Labcorp
Classification: Pathogenic for Joubert syndrome; Meckel-Gruber syndrome. Last evaluated: 2023-08-17. Review status: criteria provided, single submitter. Criteria: Invitae Variant Classification Sherloc (09022015). Collection method: clinical testing. Allele origin: germline.
Comment: For these reasons, this variant has been classified as Pathogenic. ClinVar contains an entry for this variant (Variation ID: 2022718). This variant has not been reported in the literature in individuals affected with TCTN2-related conditions. This variant is not present in population databases (gnomAD no frequency). This sequence change creates a premature translational stop signal (p.Lys443Asnfs*6) in the TCTN2 gene. It is expected to result in an absent or disrupted protein product. Loss-of-function variants in TCTN2 are known to be pathogenic (PMID: 21565611).

Literature cited by the submitters: PubMed 21565611.

NM_024809.5(TCTN2):c.1329del (p.Lys443fs)

Gene: TCTN2 (tectonic family member 2; plus strand). Cytogenetic location: 12q24.31.
Variant type: Deletion.
Coding change: c.1329del on transcript NM_024809.5 (MANE Select); coding-DNA position 1329, one base deleted (G; older notation c.1329delG).
Protein change: p.Lys443fs; shifts the reading frame from lysine 443.
Molecular consequence: frameshift variant.
Genome position (GRCh38, 1-based): chr12:123,696,431, G deleted. VCF-style (leftmost placement, unchanged base first): chr12-123696430-AG-A. GRCh37 (hg19) VCF-style: chr12-124180977-AG-A.
Other names: c.1326del, p.Lys442fs (NM_001143850.3); c.1194delG, p.Lys398Asnfs (NM_001410989.1); short protein forms K442fs, K443fs.
Identifiers: ClinVar variation 2022718 (VCV002022718.4), dbSNP rs2541792114, ClinGen allele CA2580085941.